The following is an entry in ClinVar:

ClinVar aggregate classification (germline): Pathogenic (1 of 4 stars; one submission).

Conditions:
Lynch syndrome 5 (LYNCH5). Also called: Colorectal cancer, hereditary nonpolyposis, type 5; Hereditary non-polyposis colorectal cancer, type 5. Identifiers: Orphanet 144, MedGen C1833477, MONDO:0013710, OMIM 614350. Disease mechanism: loss of function.

Submission:

Myriad Genetics, Inc.
Classification: Pathogenic for Lynch syndrome 5. Last evaluated: 2023-08-09. Review status: criteria provided, single submitter. Criteria: Myriad Autosomal Dominant, Autosomal Recessive and X-Linked Classification Criteria (2023). Collection method: clinical testing. Allele origin: unknown.
Comment: This variant is considered pathogenic. This variant creates a termination codon and is predicted to result in premature protein truncation.

NM_000179.3(MSH6):c.194C>G (p.Ser65Ter)

Gene: MSH6 (mutS homolog 6; plus strand). Cytogenetic location: 2p16.3.
Variant type: single nucleotide variant.
Coding change: c.194C>G on transcript NM_000179.3 (MANE Select); coding-DNA position 194, C replaced by G.
Protein change: p.Ser65Ter; replaces serine 65 with a stop codon.
Molecular consequence: nonsense. On other transcripts: 5 prime UTR variant (7), missense variant (1), non-coding transcript variant (5), intron variant (5).
Genome position (GRCh38, 1-based): chr2:47,783,427, C>G. VCF-style: chr2-47783427-C-G. GRCh37 (hg19) VCF-style: chr2-48010566-C-G.
Other names: c.194C>G, p.Ser65Ter (NM_001281492.2, NM_001406795.1, NM_001406796.1 and 9 more transcripts); c.-543C>G (NM_001281493.2, NM_001406811.1); c.-135C>G (NM_001406799.1); c.139C>G, p.His47Asp (NM_001406804.1); c.-735C>G (NM_001406807.1); c.-390C>G (NM_001406812.1); c.-801C>G (NM_001406814.1); c.-346C>G (NM_001406816.1); and 3 more; short protein forms H47D, S65*.
Identifiers: ClinVar variation 2673637 (VCV002673637.1), dbSNP rs41294984, ClinGen allele CA346735031.